The following is an entry in ClinVar:

NM_153704.6(TMEM67):c.1987_1988del (p.Val663fs)

Gene: TMEM67 (transmembrane protein 67; plus strand). Cytogenetic location: 8q22.1.
Variant type: Deletion.
Coding change: c.1987_1988del on transcript NM_153704.6 (MANE Select); coding-DNA positions 1987 to 1988, 2 bases deleted (GT; older notation c.1987_1988delGT).
Protein change: p.Val663fs; shifts the reading frame from valine 663.
Molecular consequence: frameshift variant. On other transcripts: non-coding transcript variant (1).
Genome position (GRCh38, 1-based): chr8:93,797,357-93,797,358, GT deleted; deleting any 2 consecutive bases within chr8:93,797,356-93,797,358 gives the same sequence; the c. name uses the placement nearest the transcript's 3' end. VCF-style (leftmost placement, unchanged base first): chr8-93797355-CTG-C. GRCh37 (hg19) VCF-style: chr8-94809583-CTG-C.
Other names: c.1744_1745del, p.Val582fs (NM_001142301.1); short protein forms V582fs, V663fs.
Identifiers: ClinVar variation 2005447 (VCV002005447.4), dbSNP rs2536904331, ClinGen allele CA2580079096.
Genomic context (GRCh38, chr8:93,797,355, plus strand): 5'-GTAAAACTCTTTTACTCATTTTATTTTCCTGACCAGGTGAGGGTGGTGTACGAAGTGCCA[CTG>C]TTCCTGTAAGCATATGGAGAACATATTTTGTAGCAAATGAATGGAATGAAATTCAGACTG-3'

ClinVar aggregate classification (germline): Pathogenic (1 of 4 stars; one submission).

Conditions:
Joubert syndrome. Also called: CEREBELLOPARENCHYMAL DISORDER IV; JOUBERT-BOLTSHAUSER SYNDROME; Familial aplasia of the vermis. Identifiers: Orphanet 475, MedGen C5979921, MONDO:0018772.
Meckel-Gruber syndrome. Also called: DYSENCEPHALIA SPLANCHNOCYSTICA; GRUBER SYNDROME; Dysencephalia splachnocystica. Identifiers: Orphanet 564, MedGen C0265215, MONDO:0018921.

Submission:

Labcorp Genetics (formerly Invitae), Labcorp
Classification: Pathogenic for Joubert syndrome; Meckel-Gruber syndrome. Last evaluated: 2024-09-02. Review status: criteria provided, single submitter. Criteria: Invitae Variant Classification Sherloc (09022015). Collection method: clinical testing. Allele origin: germline.
Comment: This sequence change creates a premature translational stop signal (p.Val663Serfs*13) in the TMEM67 gene. It is expected to result in an absent or disrupted protein product. Loss-of-function variants in TMEM67 are known to be pathogenic (PMID: 20232449, 23559409). This variant is not present in population databases (gnomAD no frequency). This variant has not been reported in the literature in individuals affected with TMEM67-related conditions. ClinVar contains an entry for this variant (Variation ID: 2005447). For these reasons, this variant has been classified as Pathogenic.

Literature cited by the submitters: PubMed 20232449; PubMed 23559409.